The following is an entry in ClinVar:

ClinVar aggregate classification (germline): Pathogenic. Review status: criteria provided, multiple submitters, no conflicts (2 of 4 stars). 14 submissions from 13 submitters: Pathogenic (10). 4 of the submissions do not count toward it. Last evaluated 2025-01-28.

Conditions:
Retinal dystrophy. Also called: Inherited retinal dystrophy. Identifiers: Orphanet 71862, MedGen C0854723, MeSH D058499, MONDO:0019118, HP:0000556.
Retinitis pigmentosa 39 (RP39). Identifiers: Orphanet 791, MedGen C3151138, MONDO:0013436, OMIM 613809.
Usher syndrome type 2A. Also called: USHER SYNDROME, TYPE IIA; RETINAL DISEASE IN USHER SYNDROME TYPE IIA, MODIFIER OF. Identifiers: Orphanet 231178, Orphanet 886, MedGen C1848634, MONDO:0010169, OMIM 276901.
USH2A-related disorder. Also called: USH2A-related disorders; USH2A-related condition. Identifiers: MedGen CN239332.

Allele frequency attached by ClinVar (database versions not stated): gnomAD exomes below 0.00001 and 0.00001; TOPMed below 0.00001; gnomAD 0.00002.
gnomAD v4.1: 9 of 1,613,168 alleles (0.00056%); highest among the groups gnomAD compares: Non-Finnish European, 0.00076%; no homozygotes.

Submissions (14):

Natera, Inc.
Classification: Pathogenic for Usher syndrome type 2A. Last evaluated: 2025-01-28. Review status: criteria provided, single submitter. Criteria: Natera Variant Classification Schema (03/2026). Collection method: clinical testing. Allele origin: germline.
Comment: The c.1227G>A variant in USH2A is a nonsense variant predicted to introduce a stop codon at amino acid 409. This variant is expected to result in nonsense mediated decay, truncation, or a dysfunctional protein product. This variant is rare in the general population with a frequency below the threshold expected for the associated phenotype(s). This variant has been observed in one or more individuals affected with the associated recessive disease, as either homozygous or compound heterozygous with a second variant (PMID: 27318125). Given the available evidence, this variant is classified as Pathogenic.

Baylor Genetics
Classification: Pathogenic for Retinitis pigmentosa 39. Last evaluated: 2024-01-30. Review status: criteria provided, single submitter. Criteria: ACMG Guidelines, 2015. Collection method: clinical testing. Allele origin: unknown.

Genome-Nilou Lab
Classification: Pathogenic for Retinitis pigmentosa 39. Last evaluated: 2023-11-04. Review status: criteria provided, single submitter. Criteria: ACMG Guidelines, 2015. Collection method: clinical testing. Allele origin: germline. Affected: no.

Genome-Nilou Lab
Classification: Pathogenic for Usher syndrome type 2A. Last evaluated: 2023-11-04. Review status: criteria provided, single submitter. Criteria: ACMG Guidelines, 2015. Collection method: clinical testing. Allele origin: germline. Affected: no.

Labcorp Genetics (formerly Invitae), Labcorp
Classification: Pathogenic. Last evaluated: 2023-04-06. Review status: criteria provided, single submitter. Criteria: Invitae Variant Classification Sherloc (09022015). Collection method: clinical testing. Allele origin: germline.
Comment: This sequence change creates a premature translational stop signal (p.Trp409*) in the USH2A gene. It is expected to result in an absent or disrupted protein product. Loss-of-function variants in USH2A are known to be pathogenic (PMID: 10729113, 10909849, 20507924, 25649381). This variant is present in population databases (no rsID available, gnomAD 0.002%). This premature translational stop signal has been observed in individuals with USH2A-related conditions (PMID: 10729113, 22334370). ClinVar contains an entry for this variant (Variation ID: 379205). For these reasons, this variant has been classified as Pathogenic.

Genetics and Molecular Pathology, SA Pathology
Classification: Pathogenic for Retinitis pigmentosa 39. Last evaluated: 2021-02-03. Review status: criteria provided, single submitter. Criteria: ACMG Guidelines, 2015. Collection method: clinical testing. Allele origin: germline. Inheritance: Autosomal recessive inheritance. Affected: yes.
Comment: The USH2A c.1227G>A variant is classified as Pathogenic (PVS1, PM2, PM3)

Blueprint Genetics
Classification: Pathogenic for USH2A-related disorders. Last evaluated: 2020-12-30. Review status: criteria provided, single submitter. Criteria: ACMG Guidelines, 2015. Collection method: clinical testing. Allele origin: germline. Affected: yes. Observed: 2 variant alleles.

Broad Center for Mendelian Genomics, Broad Institute of MIT and Harvard
Classification: Pathogenic for Retinitis pigmentosa 39. Last evaluated: 2017-06-25. Review status: criteria provided, single submitter. Criteria: ACMG Guidelines, 2015. Collection method: research. Allele origin: germline. Inheritance: Autosomal recessive inheritance. Affected: yes. Observed: 1 variant allele. Study: Broad Institute Center for Mendelian Genomics (CMG).
Comment: Very rare in reference population databases, in gnomAD, 2/275918 chromosomes (PM2). Nonsense variant in known disease gene where loss of function results in disease (PVS1). Found in trans with previously reported likely pathogenic missense variant (p.Arg2894Lys) (PM3). Previously reported in three cases, two apparently unrelated Dutch families, one homozygous and the other a compound heterozygote with c.1256G>T (p.C419F) (in PMID:10729113) and compound heterozygous with c.12575G>A (p.R4192H) (PMID: 22334370).

GeneDx
Classification: Pathogenic. Last evaluated: 2015-03-18. Review status: criteria provided, single submitter. Criteria: GeneDx Variant Classification (06012015). Collection method: clinical testing. Allele origin: germline. Affected: yes.
Comment: The W409X nonsense variant in the USH2A gene has been reported previously in association withUsher syndrome type II and isolated retinitis pigmentosa (Weston et al., 2000; Neveling et al., 2012). Thisvariant is predicted to cause loss of normal protein function either through protein truncation or nonsense-mediated mRNA decay. The W409X variant was not observed in approximately 6,500 individuals ofEuropean and African American ancestry in the NHLBI Exome Sequencing Project, indicating it is not acommon benign variant in these populations. We interpret the W409X variant as pathogenic.

Institute of Human Genetics, Univ. Regensburg, Univ. Regensburg
Classification: Pathogenic for Retinal dystrophy. Last evaluated: 2012-01-01. Review status: criteria provided, single submitter. Criteria: ACMG Guidelines, 2015. Collection method: clinical testing. Allele origin: germline. Affected: yes.

Counsyl
Classification: Pathogenic for Usher syndrome type 2A; Retinitis pigmentosa 39. Last evaluated: 2017-05-12. Review status: no assertion criteria provided. Collection method: clinical testing. Allele origin: unknown. Not counted in ClinVar's aggregate classification.

Clinical Genetics DNA and cytogenetics Diagnostics Lab, Erasmus MC, Erasmus Medical Center
Classification: Pathogenic. Review status: no assertion criteria provided. Collection method: clinical testing. Allele origin: germline. Affected: yes. Study: VKGL Data-share Consensus. Not counted in ClinVar's aggregate classification.

Clinical Genetics, Academic Medical Center
Classification: Pathogenic. Review status: no assertion criteria provided. Collection method: clinical testing. Allele origin: germline. Affected: yes. Study: VKGL Data-share Consensus. Not counted in ClinVar's aggregate classification.

Joint Genome Diagnostic Labs from Nijmegen and Maastricht, Radboudumc and MUMC+
Classification: Pathogenic. Review status: no assertion criteria provided. Collection method: clinical testing. Allele origin: germline. Affected: yes. Study: VKGL Data-share Consensus. Not counted in ClinVar's aggregate classification.

Literature cited by the submitters: PubMed 27318125 (cited by Natera, Inc.); PubMed 10729113 (cited by 3 submitters); PubMed 10909849 (cited by Labcorp Genetics (formerly Invitae), Labcorp); PubMed 20507924 (cited by Labcorp Genetics (formerly Invitae), Labcorp); PubMed 25649381 (cited by Labcorp Genetics (formerly Invitae), Labcorp); PubMed 22334370 (cited by 3 submitters); PubMed 31964843 (cited by Institute of Human Genetics, Univ. Regensburg, Univ. Regensburg); PubMed 15241801 (cited by Counsyl).

NM_206933.4(USH2A):c.1227G>A (p.Trp409Ter)

Gene: USH2A (usherin; minus strand). Cytogenetic location: 1q41.
Variant type: single nucleotide variant.
Coding change: c.1227G>A on transcript NM_206933.4 (MANE Select); coding-DNA position 1227, G replaced by A.
Protein change: p.Trp409Ter; replaces tryptophan 409 with a stop codon.
Molecular consequence: nonsense.
Genome position (GRCh38, 1-based): chr1:216,324,269, C>T on the plus strand (G>A on the coding strand, the complement: USH2A is on the minus strand). VCF-style: chr1-216324269-C-T. GRCh37 (hg19) VCF-style: chr1-216497611-C-T.
Other names: c.1227G>A, p.Trp409Ter (NM_007123.6); short protein forms W409*.
Identifiers: ClinVar variation 379205 (VCV000379205.24), dbSNP rs397517979, ClinGen allele CA16603533.